The following is an entry in ClinVar:

NM_004456.5(EZH2):c.1240+170G>C

Gene: EZH2 (enhancer of zeste 2 polycomb repressive complex 2 subunit; minus strand). Cytogenetic location: 7q36.1.
Variant type: single nucleotide variant.
Coding change: c.1240+170G>C on transcript NM_004456.5 (MANE Select); 170 bases into the intron after coding-DNA position 1240, G replaced by C.
Molecular consequence: intron variant.
Genome position (GRCh38, 1-based): chr7:148,817,707, C>G on the plus strand (G>C on the coding strand, the complement: EZH2 is on the minus strand). VCF-style: chr7-148817707-C-G. GRCh37 (hg19) VCF-style: chr7-148514799-C-G.
Other names: c.1198+170G>C (NM_001203249.2, NM_001203248.2); c.1108+170G>C (NM_152998.3); c.1225+170G>C (NM_001203247.2).
Identifiers: ClinVar variation 677791 (VCV000677791.2), dbSNP rs79514524, ClinGen allele CA168915079.
Genomic context (GRCh38, chr7:148,817,707, plus strand): 5'-AATAAAGTGCATCATCAGCTTTCAAACAACCAAGCAGGGCAAACACCACAAGCTAGGGTA[C>G]GGGTGCAGGCAGGAAACAGAAACAACACAGCTACACATTCTTGAGATAACTCTGGTCTTT-3'

ClinVar aggregate classification (germline): Likely benign. Review status: criteria provided, multiple submitters, no conflicts (2 of 4 stars). 2 submissions from 2 submitters: Likely benign (2). Last evaluated 2018-06-14.

Allele frequency attached by ClinVar (database versions not stated): TOPMed 0.01353; 1000 Genomes Project 0.01458; 1000 Genomes Project 30x 0.01577.
gnomAD v4.1: 2,823 of 912,068 alleles (0.31%); highest among the groups gnomAD compares: African/African-American, 4.2%; 60 homozygotes.

Submissions (2):

GeneDx
Classification: Likely benign. Last evaluated: 2018-06-14. Review status: criteria provided, single submitter. Criteria: GeneDx Variant Classification (06012015). Collection method: clinical testing. Allele origin: germline. Affected: yes.
Comment: This variant is considered likely benign or benign based on one or more of the following criteria: it is a conservative change, it occurs at a poorly conserved position in the protein, it is predicted to be benign by multiple in silico algorithms, and/or has population frequency not consistent with disease.

Breakthrough Genomics
Classification: Likely benign. Review status: criteria provided, single submitter. Criteria: ACMG Guidelines, 2015. Collection method: not provided. Allele origin: germline. Inheritance: Autosomal dominant inheritance. Affected: yes.